The following is an entry in ClinVar:

NM_133433.4(NIPBL):c.172G>A (p.Asp58Asn)

Gene: NIPBL (NIPBL cohesin loading factor; plus strand). Cytogenetic location: 5p13.2.
Variant type: single nucleotide variant.
Coding change: c.172G>A on transcript NM_133433.4 (MANE Select); coding-DNA position 172, G replaced by A.
Protein change: p.Asp58Asn; replaces aspartic acid 58 with asparagine.
Molecular consequence: missense variant.
Genome position (GRCh38, 1-based): chr5:36,955,579, G>A. VCF-style: chr5-36955579-G-A. GRCh37 (hg19) VCF-style: chr5-36955681-G-A.
Other names: c.172G>A, p.Asp58Asn (NM_001438586.1, NM_015384.5); short protein forms D58N.
Identifiers: ClinVar variation 4795274 (VCV004795274.1).

ClinVar aggregate classification (germline): Uncertain significance (1 of 4 stars; one submission).

Submission:

GeneDx
Classification: Uncertain significance. Last evaluated: 2025-08-14. Review status: criteria provided, single submitter. Criteria: GeneDx Variant Classification Process June 2021. Collection method: clinical testing. Allele origin: germline. Affected: yes.
Comment: Not observed at significant frequency in large population cohorts (gnomAD); In silico analysis suggests that this missense variant does not alter protein structure/function; Has not been previously published as pathogenic or benign to our knowledge